The following is an entry in ClinVar:

ClinVar aggregate classification (germline): Uncertain significance (1 of 4 stars; one submission).

gnomAD v4.1: 2 of 1,614,214 alleles (0.00012%); no homozygotes.

Submission:

Labcorp Genetics (formerly Invitae), Labcorp
Classification: Uncertain significance. Last evaluated: 2025-06-23. Review status: criteria provided, single submitter. Criteria: Invitae Variant Classification Sherloc (09022015). Collection method: clinical testing. Allele origin: germline.
Comment: This sequence change replaces proline, which is neutral and non-polar, with leucine, which is neutral and non-polar, at codon 829 of the DLC1 protein (p.Pro829Leu). This variant is not present in population databases (gnomAD no frequency). This variant has not been reported in the literature in individuals affected with DLC1-related conditions. ClinVar contains an entry for this variant (Variation ID: 3630827). An algorithm developed to predict the effect of missense changes on protein structure and function (PolyPhen-2) suggests that this variant is likely to be tolerated. In summary, the available evidence is currently insufficient to determine the role of this variant in disease. Therefore, it has been classified as a Variant of Uncertain Significance.

NM_182643.3(DLC1):c.2486C>T (p.Pro829Leu)

Gene: DLC1 (DLC1 Rho GTPase activating protein; minus strand). Cytogenetic location: 8p22.
Variant type: single nucleotide variant.
Coding change: c.2486C>T on transcript NM_182643.3 (MANE Select); coding-DNA position 2486, C replaced by T.
Protein change: p.Pro829Leu; replaces proline 829 with leucine.
Molecular consequence: missense variant.
Genome position (GRCh38, 1-based): chr8:13,099,851, G>A on the plus strand (C>T on the coding strand, the complement: DLC1 is on the minus strand). VCF-style: chr8-13099851-G-A. GRCh37 (hg19) VCF-style: chr8-12957360-G-A.
Other names: c.953C>T, p.Pro318Leu (NM_001164271.2, NM_001413133.1, NM_001413138.1 and 6 more transcripts); c.1277C>T, p.Pro426Leu (NM_001316668.2, NM_001413129.1); c.926C>T, p.Pro309Leu (NM_001413131.1, NM_001413137.1); c.1412C>T, p.Pro471Leu (NM_001413132.1); c.1175C>T, p.Pro392Leu (NM_001413135.1, NM_001413136.1, NM_001413139.1 and 1 more transcripts); c.1310C>T, p.Pro437Leu (NM_001413140.1); c.2486C>T, p.Pro829Leu (NM_001348081.2, NM_001413124.1); c.1268C>T, p.Pro423Leu (NM_001413130.1); short protein forms P318L, P829L, P426L, P309L, P437L, P392L, P423L, P471L.
Identifiers: ClinVar variation 3630827 (VCV003630827.2).